The following is an entry in ClinVar:

NM_000492.4(CFTR):c.1766G>C (p.Ser589Thr)

Gene: CFTR (CF transmembrane conductance regulator; plus strand). Cytogenetic location: 7q31.2.
Variant type: single nucleotide variant.
Coding change: c.1766G>C on transcript NM_000492.4 (MANE Select); coding-DNA position 1766, G replaced by C.
Protein change: p.Ser589Thr; replaces serine 589 with threonine.
Molecular consequence: missense variant.
Genome position (GRCh38, 1-based): chr7:117,590,439, G>C. VCF-style: chr7-117590439-G-C. GRCh37 (hg19) VCF-style: chr7-117230493-G-C.
Other names: short protein forms S589T.
Identifiers: ClinVar variation 53383 (VCV000053383.3), dbSNP rs397508300, ClinGen allele CA326667.
Genomic context (GRCh38, chr7:117,590,439, plus strand): 5'-ATTTATTAGACTCTCCTTTTGGATACCTAGATGTTTTAACAGAAAAAGAAATATTTGAAA[G>C]GTATGTTCTTTGAATACCTTACTTATAATGCTCATGCTAAAATAAAAGAAAGACAGACTG-3'
Protein context (NP_000483.3, residues 579-599): DVLTEKEIFE[Ser589Thr]CVCKLMANKT

ClinVar aggregate classification (germline): Conflicting classifications of pathogenicity. Review status: criteria provided, conflicting classifications (1 of 4 stars). 3 submissions from 3 submitters: Likely pathogenic (1); Uncertain significance (1). 1 of the submissions does not count toward it. Last evaluated 2025-03-15.

Conditions:
CFTR-related disorder (CFTR-RD). Also called: CFTR-related disorders; CFTR-related condition. Identifiers: MedGen C5924204, MONDO:7770004.
Cystic fibrosis (CF). Also called: MUCOVISCIDOSIS. Identifiers: Orphanet 586, MedGen C0010674, MONDO:0009061, OMIM 219700. Disease mechanism: loss of function.

Allele frequency attached by ClinVar (database versions not stated): gnomAD 0.00003.
gnomAD v4.1: 4 of 1,600,264 alleles (0.00025%); no homozygotes.

Submissions (3):

Natera, Inc.
Classification: Likely pathogenic for CFTR-related disorders. Last evaluated: 2025-03-15. Review status: criteria provided, single submitter. Criteria: Natera Variant Classification Schema (03/2026). Collection method: clinical testing. Allele origin: germline.
Comment: The c.1766G>C variant in CFTR is a missense variant predicted to cause substitution of serine to threonine at amino acid 589. This variant is rare in the general population with a frequency below the threshold expected for the associated phenotype(s). This variant has been observed in one or more individuals affected with the associated recessive disease, as either homozygous or compound heterozygous with a second variant (PMID: 16051530). A different variant at the same position has been determined to be Pathogenic or Likely Pathogenic. Computational prediction algorithms indicate this variant is likely to affect gene or protein function. Given the available evidence, this variant is classified as Likely Pathogenic.

Women's Health and Genetics/Laboratory Corporation of America, LabCorp
Classification: Uncertain significance. Last evaluated: 2023-06-05. Review status: criteria provided, single submitter. Criteria: LabCorp Variant Classification Summary - May 2015. Collection method: clinical testing. Allele origin: germline.
Comment: Variant summary: CFTR c.1766G>C (p.Ser589Thr) results in a conservative amino acid change located in the first ATP-binding domain (IPR003439) of the encoded protein sequence. Four of five in-silico tools predict a benign effect of the variant on protein function. This variant falls onto the last nucleotide of exon 13, therefore can also affect splicing. Several computational tools predict a significant impact on normal splicing: three predict the variant weakens a 5' donor site. However, these predictions have yet to be confirmed by functional studies. The variant was absent in 249234 control chromosomes (gnomAD v2.1 exomes dataset). The available data on variant occurrences in the general population are insufficient to allow any conclusion about variant significance. c.1766G>C has been reported in the literature in a compound heterozygous individuals affected with Cystic Fibrosis, who carried a pathogenic 2nd variant (Kinnunen_2005). To our knowledge, no experimental evidence demonstrating an impact on protein function has been reported. However, another variant affecting the same nucleotide (CFTR c.1766G>A (p.Ser589Asn)) is classified as pathogenic by our lab. The following publication have been ascertained in the context of this evaluation (PMID: 16051530). No clinical diagnostic laboratories have submitted clinical-significance assessments for this variant to ClinVar after 2014. Based on the evidence outlined above, the variant was classified as VUS-possibly pathogenic.

ClinVar Staff, National Center for Biotechnology Information (NCBI)
No classification provided. Condition: CFTR-related disorders. Review status: no classification provided. Collection method: literature only. Allele origin: germline. Affected: yes. Not counted in ClinVar's aggregate classification.

Literature cited by the submitters: PubMed 16051530 (cited by 3 submitters).